The following is an entry in ClinVar:

NM_001128840.3(CACNA1D):c.4259T>A (p.Leu1420His)

Gene: CACNA1D (calcium voltage-gated channel subunit alpha1 D; plus strand). Cytogenetic location: 3p21.1.
Variant type: single nucleotide variant.
Coding change: c.4259T>A on transcript NM_001128840.3 (MANE Select); coding-DNA position 4259, T replaced by A.
Protein change: p.Leu1420His; replaces leucine 1420 with histidine.
Molecular consequence: missense variant.
Genome position (GRCh38, 1-based): chr3:53,775,942, T>A. VCF-style: chr3-53775942-T-A. GRCh37 (hg19) VCF-style: chr3-53809969-T-A.
Other names: c.4319T>A, p.Leu1440His (NM_000720.4); c.4214T>A, p.Leu1405His (NM_001128839.3); short protein forms L1405H, L1420H, L1440H.
Identifiers: ClinVar variation 4760006 (VCV004760006.1).

ClinVar aggregate classification (germline): Uncertain significance (1 of 4 stars; one submission).

gnomAD v4.1: 1 of 1,614,048 alleles (0.000062%); highest among the groups gnomAD compares: African/African-American, 0.0013%; no homozygotes.

Submission:

Labcorp Genetics (formerly Invitae), Labcorp
Classification: Uncertain significance. Last evaluated: 2025-12-16. Review status: criteria provided, single submitter. Criteria: Invitae Variant Classification Sherloc (09022015). Collection method: clinical testing. Allele origin: germline.
Comment: This sequence change replaces leucine, which is neutral and non-polar, with histidine, which is basic and polar, at codon 1440 of the CACNA1D protein (p.Leu1440His). This variant is present in population databases (rs368912615, gnomAD 0.007%). This variant has not been reported in the literature in individuals affected with CACNA1D-related conditions. Invitae Evidence Modeling of protein sequence and biophysical properties (such as structural, functional, and spatial information, amino acid conservation, physicochemical variation, residue mobility, and thermodynamic stability) indicates that this missense variant is not expected to disrupt CACNA1D protein function with a negative predictive value of 80%. In summary, the available evidence is currently insufficient to determine the role of this variant in disease. Therefore, it has been classified as a Variant of Uncertain Significance.